The following is an entry in ClinVar:

ClinVar aggregate classification (germline): Benign. Review status: criteria provided, multiple submitters, no conflicts (2 of 4 stars). 2 submissions from 2 submitters: Benign (2). Last evaluated 2024-01-24.

Allele frequency attached by ClinVar (database versions not stated): 1000 Genomes Project 0.06769; 1000 Genomes Project 30x 0.06246; ExAC 0.06645; ESP Exome Variant Server 0.04252; TOPMed 0.05269.

Submissions (2):

Unidad de Genómica Garrahan, Hospital de Pediatría Garrahan
Classification: Benign. Last evaluated: 2024-01-24. Review status: criteria provided, single submitter. Criteria: ACMG Guidelines, 2015. Collection method: clinical testing. Allele origin: germline. Affected: no. Observed: 21 variant alleles.
Comment: This variant is classified as Benign based on local population frequency. This variant was detected in 22% of patients studied by a panel of primary immunodeficiencies. Number of patients: 21. Only high quality variants are reported.

GeneDx
Classification: Benign. Last evaluated: 2018-11-12. Review status: criteria provided, single submitter. Criteria: GeneDx Variant Classification Process June 2021. Collection method: clinical testing. Allele origin: germline. Affected: yes.

NM_005546.4(ITK):c.647+28C>T

Gene: ITK (IL2 inducible T cell kinase; plus strand). Cytogenetic location: 5q33.3.
Variant type: single nucleotide variant.
Coding change: c.647+28C>T on transcript NM_005546.4 (MANE Select); 28 bases into the intron after coding-DNA position 647, C replaced by T.
Molecular consequence: intron variant.
Genome position (GRCh38, 1-based): chr5:157,223,042, C>T. VCF-style: chr5-157223042-C-T. GRCh37 (hg19) VCF-style: chr5-156650052-C-T.
Identifiers: ClinVar variation 1227498 (VCV001227498.5), dbSNP rs2288502, ClinGen allele CA3532833.
Genomic context (GRCh38, chr5:157,223,042, plus strand): 5'-GATTCACTGGTGGAGAGTCCAGGACAGGAATGGGTAAGTCATCTTTGTGGCTGCTGTCCC[C>T]GTGTTTGAGGTGTGGTGCGAACAAATAAAATACCAGGATGATTTGTCCTATCTCCCACAG-3'